The following is an entry in ClinVar:

ClinVar aggregate classification (germline): Uncertain significance (1 of 4 stars; one submission).

Submission:

GeneDx
Classification: Uncertain significance. Last evaluated: 2026-03-05. Review status: criteria provided, single submitter. Criteria: GeneDx Variant Classification Process June 2021. Collection method: clinical testing. Allele origin: germline.
Comment: Not observed at significant frequency in large population cohorts (gnomAD); In silico analysis supports that this missense variant has a deleterious effect on protein structure/function; Has not been previously published as pathogenic or benign to our knowledge; This variant is associated with the following publications: (PMID: 27839871)

NM_000834.5(GRIN2B):c.1370G>T (p.Cys457Phe)

Gene: GRIN2B (glutamate ionotropic receptor NMDA type subunit 2B; minus strand). Cytogenetic location: 12p13.1.
Variant type: single nucleotide variant.
Coding change: c.1370G>T on transcript NM_000834.5 (MANE Select); coding-DNA position 1370, G replaced by T.
Protein change: p.Cys457Phe; replaces cysteine 457 with phenylalanine.
Molecular consequence: missense variant.
Genome position (GRCh38, 1-based): chr12:13,615,623, C>A on the plus strand (G>T on the coding strand, the complement: GRIN2B is on the minus strand). VCF-style: chr12-13615623-C-A. GRCh37 (hg19) VCF-style: chr12-13768557-C-A.
Other names: c.1370G>T, p.Cys457Phe (NM_001413992.1); short protein forms C457F.
Identifiers: ClinVar variation 5008107 (VCV005008107.1).
Genomic context (GRCh38, chr12:13,615,623, plus strand): 5'-TCATAGGTGAACTTCACAGATTTAGAAATTTTCTTAAGGATGTCAATACAGAACCCCTTG[C>A]AGCATTTTTTGATGTAACCCGGCTCCTCGTCTGTTTTATTCCTAGCCAATTAAAGAAACA-3'
Protein context (NP_000825.2, residues 447-467): DEEPGYIKKC[Cys457Phe]KGFCIDILKK